The following is an entry in ClinVar:

NM_007194.4(CHEK2):c.1162C>T (p.Pro388Ser)

Gene: CHEK2 (checkpoint kinase 2; minus strand). Cytogenetic location: 22q12.1.
Variant type: single nucleotide variant.
Coding change: c.1162C>T on transcript NM_007194.4 (MANE Select); coding-DNA position 1162, C replaced by T.
Protein change: p.Pro388Ser; replaces proline 388 with serine.
Molecular consequence: missense variant.
Genome position (GRCh38, 1-based): chr22:28,695,807, G>A on the plus strand (C>T on the coding strand, the complement: CHEK2 is on the minus strand). VCF-style: chr22-28695807-G-A. GRCh37 (hg19) VCF-style: chr22-29091795-G-A.
Other names: c.1291C>T, p.Pro431Ser (NM_001005735.3); c.499C>T, p.Pro167Ser (NM_001257387.3); c.961C>T, p.Pro321Ser (NM_001349956.3); c.1075C>T, p.Pro359Ser (NM_145862.3); short protein forms P167S, P359S, P431S, P321S, P388S.
Identifiers: ClinVar variation 818458 (VCV000818458.10), dbSNP rs1555913811, ClinGen allele CA411096853.

ClinVar aggregate classification (germline): Uncertain significance. Review status: criteria provided, multiple submitters, no conflicts (2 of 4 stars). 3 submissions from 3 submitters: Uncertain significance (3). Last evaluated 2024-03-28.

Conditions:
Familial cancer of breast. Also called: BREAST CANCER, FAMILIAL; hereditary breast carcinoma; Hereditary breast cancer. Identifiers: Orphanet 227535, MedGen C0346153, MONDO:0016419, OMIM 114480. Disease mechanism: loss of function.
Hereditary cancer-predisposing syndrome. Also called: Neoplastic Syndromes, Hereditary; Tumor predisposition; Hereditary Cancer Syndrome; Hereditary neoplastic syndrome. Identifiers: Orphanet 140162, MedGen C0027672, MeSH D009386, MONDO:0015356.

Submissions (3):

Blueprint Genetics
Classification: Uncertain significance. Last evaluated: 2024-03-28. Review status: criteria provided, single submitter. Criteria: ACMG Guidelines, 2015. Collection method: clinical testing. Allele origin: germline.

Labcorp Genetics (formerly Invitae), Labcorp
Classification: Uncertain significance for Familial cancer of breast. Last evaluated: 2024-03-09. Review status: criteria provided, single submitter. Criteria: Invitae Variant Classification Sherloc (09022015). Collection method: clinical testing. Allele origin: germline.
Comment: This sequence change replaces proline, which is neutral and non-polar, with serine, which is neutral and polar, at codon 388 of the CHEK2 protein (p.Pro388Ser). This variant is not present in population databases (gnomAD no frequency). This variant has not been reported in the literature in individuals affected with CHEK2-related conditions. ClinVar contains an entry for this variant (Variation ID: 818458). An algorithm developed to predict the effect of missense changes on protein structure and function (PolyPhen-2) suggests that this variant is likely to be disruptive. In summary, the available evidence is currently insufficient to determine the role of this variant in disease. Therefore, it has been classified as a Variant of Uncertain Significance.

Ambry Genetics
Classification: Uncertain significance for Hereditary cancer-predisposing syndrome. Last evaluated: 2019-01-11. Review status: criteria provided, single submitter. Criteria: Ambry Variant Classification Scheme 2023. Collection method: clinical testing. Allele origin: germline.
Comment: The p.P388S variant (also known as c.1162C>T), located in coding exon 10 of the CHEK2 gene, results from a C to T substitution at nucleotide position 1162. The proline at codon 388 is replaced by serine, an amino acid with similar properties. This amino acid position is highly conserved in available vertebrate species. In addition, this alteration is predicted to be deleterious by in silico analysis. Since supporting evidence is limited at this time, the clinical significance of this alteration remains unclear.